The following is an entry in ClinVar:

NM_004380.3(CREBBP):c.6138G>A (p.Ala2046=)

Gene: CREBBP (CREB binding lysine acetyltransferase; minus strand). Cytogenetic location: 16p13.3.
Variant type: single nucleotide variant.
Coding change: c.6138G>A on transcript NM_004380.3 (MANE Select); coding-DNA position 6138, G replaced by A.
Protein change: p.Ala2046=; no amino-acid change (alanine 2046 retained).
Molecular consequence: synonymous variant.
Genome position (GRCh38, 1-based): chr16:3,728,909, C>T on the plus strand (G>A on the coding strand, the complement: CREBBP is on the minus strand). VCF-style: chr16-3728909-C-T. GRCh37 (hg19) VCF-style: chr16-3778910-C-T.
Other names: c.6024G>A, p.Ala2008= (NM_001079846.1).
Identifiers: ClinVar variation 702718 (VCV000702718.34), dbSNP rs371656213, ClinGen allele CA7869174.

ClinVar aggregate classification (germline): Benign/Likely benign. Review status: criteria provided, multiple submitters, no conflicts (2 of 4 stars). 5 submissions from 5 submitters: Benign (2); Likely benign (3). Last evaluated 2025-08-29.

Conditions:
Rubinstein-Taybi syndrome (RSTS). Identifiers: Orphanet 783, MedGen C0035934, MONDO:0019188.
Rubinstein-Taybi syndrome due to CREBBP mutations (RSTS1). Also called: Rubinstein-Taybi syndrome 1; BROAD THUMBS AND GREAT TOES, CHARACTERISTIC FACIES, AND IMPAIRED INTELLECTUAL DEVELOPMENT; CREBBP-Related Rubinstein-Taybi Syndrome; RUBINSTEIN SYNDROME; RUBINSTEIN-TAYBI SYNDROME 1, INCOMPLETE; BROAD THUMB-HALLUX SYNDROME. Identifiers: Orphanet 353277, Orphanet 783, MedGen C4551859, MONDO:0008393, OMIM 180849.
Menke-Hennekam syndrome 1 (MKHK1). Identifiers: MedGen C5193034, MONDO:0020763, OMIM 618332.

Allele frequency attached by ClinVar (database versions not stated): ESP Exome Variant Server 0.00008; gnomAD 0.00016; TOPMed 0.00033; 1000 Genomes Project 30x 0.00094; 1000 Genomes Project 0.00100.
gnomAD v4.1: 220 of 1,607,658 alleles (0.014%); highest among the groups gnomAD compares: East Asian, 0.27%; no homozygotes.

Submissions (5):

Labcorp Genetics (formerly Invitae), Labcorp
Classification: Benign for Rubinstein-Taybi syndrome. Last evaluated: 2025-08-29. Review status: criteria provided, single submitter. Criteria: Invitae Variant Classification Sherloc (09022015). Collection method: clinical testing. Allele origin: germline.

CeGaT Center for Human Genetics Tuebingen
Classification: Likely benign. Last evaluated: 2025-04-01. Review status: criteria provided, single submitter. Criteria: CeGaT Center For Human Genetics Tuebingen Variant Classification Criteria Version 2. Collection method: clinical testing. Allele origin: germline. Affected: yes. Observed: 3 variant alleles.
Comment: CREBBP: BP4, BP7

Blueprint Genetics
Classification: Likely benign. Last evaluated: 2024-11-21. Review status: criteria provided, single submitter. Criteria: ACMG Guidelines, 2015. Collection method: clinical testing. Allele origin: germline.

Fulgent Genetics
Classification: Likely benign for Rubinstein-Taybi syndrome due to CREBBP mutations; Menke-Hennekam syndrome 1. Last evaluated: 2021-10-13. Review status: criteria provided, single submitter. Criteria: ACMG Guidelines, 2015. Collection method: clinical testing. Allele origin: unknown.

GeneDx
Classification: Benign. Last evaluated: 2021-03-19. Review status: criteria provided, single submitter. Criteria: GeneDx Variant Classification Process June 2021. Collection method: clinical testing. Allele origin: germline. Affected: yes.